The following is an entry in ClinVar:

ClinVar aggregate classification (germline): Likely benign. Review status: reviewed by expert panel (3 of 4 stars). 5 submissions from 5 submitters: Likely benign (1). 4 of the submissions do not count toward it. Last evaluated 2023-02-20.

Conditions:
CDKL5 disorder. Identifiers: MedGen CN296942, MONDO:0100039.
Angelman syndrome-like. Identifiers: MedGen CN128785.
Developmental and epileptic encephalopathy, 2 (DEE2). Also called: INFANTILE SPASM SYNDROME, X-LINKED 2; CDKL5 deficiency disorder. Identifiers: Orphanet 1934, Orphanet 3451, Orphanet 505652, MedGen C4750718, MONDO:0010396, OMIM 300672.

Allele frequency attached by ClinVar (database versions not stated): gnomAD exomes 0.00003 and 0.00009; gnomAD 0.00008 and 0.00009; ExAC 0.00002; ESP Exome Variant Server 0.00019; TOPMed 0.00005.
gnomAD v4.1: 116 of 1,210,746 alleles (0.0096%); highest among the groups gnomAD compares: Non-Finnish European, 0.012%; no homozygotes.

Submissions (5):

ClinGen Rett and Angelman-like Disorders Variant Curation Expert Panel
Classification: Likely benign for CDKL5 disorder. Last evaluated: 2023-02-20. Review status: reviewed by expert panel. Criteria: ClinGen RettAS ACMG Specifications V2. Collection method: curation. Allele origin: germline. Inheritance: X-linked inheritance.
Comment: RS1 (NM_000330.4) and an alternative transcript of CDKL5 (NM_003159.2) are overlapping transcripts; however, these variants are in the noncoding 3' region of the main CDKL5 transcript (NM_001323289.2). The allele frequency of the c.2933T>G (p.Leu978Arg) variant in the CDKL5 transcript (NM_003159.2) (RS1 c.185-3213A>C) is 0.01184% in the European (non-Finnish) sub population in gnomAD, which is high enough to meet the BS1 criteria based on thresholds defined by the ClinGen Rett/Angelman-like Expert Panel for Rett/AS-like conditions (BS1). Computational analysis prediction tools suggest that the p.Leu978Arg variant does not have a deleterious impact; however this information does not predict clinical significance on its own (BP4). In summary, the p.Leu978Arg variant in CDKL5 is classified as likely benign based on the ACMG/AMP criteria (BS1, BP4).

Labcorp Genetics (formerly Invitae), Labcorp
Classification: Likely benign for Developmental and epileptic encephalopathy, 2; Angelman syndrome-like. Last evaluated: 2025-10-28. Review status: criteria provided, single submitter. Criteria: Invitae Variant Classification Sherloc (09022015). Collection method: clinical testing. Allele origin: germline. Not counted in ClinVar's aggregate classification.

Blueprint Genetics
Classification: Likely benign. Last evaluated: 2023-10-26. Review status: criteria provided, single submitter. Criteria: ACMG Guidelines, 2015. Collection method: clinical testing. Allele origin: germline. Not counted in ClinVar's aggregate classification.

GeneDx
Classification: Likely benign. Last evaluated: 2020-10-30. Review status: criteria provided, single submitter. Criteria: GeneDx Variant Classification Process June 2021. Collection method: clinical testing. Allele origin: germline. Affected: yes. Not counted in ClinVar's aggregate classification.

Genetic Services Laboratory, University of Chicago
Classification: Uncertain significance. Last evaluated: 2017-09-29. Review status: criteria provided, single submitter. Criteria: ACMG Guidelines, 2015. Collection method: clinical testing. Allele origin: germline. Affected: no. Not counted in ClinVar's aggregate classification.

NM_003159.3(CDKL5):c.2933T>G (p.Leu978Arg)

Genes: CDKL5 (cyclin dependent kinase like 5; plus strand), RS1 (retinoschisin 1; minus strand). Cytogenetic location: Xp22.13.
Variant type: single nucleotide variant.
Coding change: c.2933T>G on transcript NM_003159.3; coding-DNA position 2933, T replaced by G.
Protein change: p.Leu978Arg; replaces leucine 978 with arginine.
Molecular consequence: missense variant. On other transcripts: intron variant (1).
Genome position (GRCh38, 1-based): chrX:18,650,545, T>G. VCF-style: chrX-18650545-T-G. GRCh37 (hg19) VCF-style: chrX-18668665-T-G.
Other names: c.2933T>G, p.Leu978Arg (NM_001037343.2); c.185-3213A>C (NM_000330.4); short protein forms L978R.
Identifiers: ClinVar variation 377651 (VCV000377651.15), dbSNP rs143243059, ClinGen allele CA10360748.